The following is an entry in ClinVar:

ClinVar aggregate classification (germline): Uncertain significance (1 of 4 stars; one submission).

Conditions:
Developmental and epileptic encephalopathy, 54. Also called: Epileptic encephalopathy, early infantile, 54; HNRNPU-Related Neurodevelopmental Disorder. Identifiers: MedGen C4479319, MONDO:0033363, OMIM 617391.

Allele frequency attached by ClinVar (database versions not stated): gnomAD 0.00003.
gnomAD v4.1: 1 of 1,601,620 alleles (0.000062%); highest among the groups gnomAD compares: East Asian, 0.0023%; no homozygotes.

Submission:

Labcorp Genetics (formerly Invitae), Labcorp
Classification: Uncertain significance for Developmental and epileptic encephalopathy, 54. Last evaluated: 2025-11-19. Review status: criteria provided, single submitter. Criteria: Invitae Variant Classification Sherloc (09022015). Collection method: clinical testing. Allele origin: germline.
Comment: This sequence change replaces glycine, which is neutral and non-polar, with serine, which is neutral and polar, at codon 58 of the HNRNPU protein (p.Gly58Ser). This variant is present in population databases (no rsID available, gnomAD 0.06%). This variant has not been reported in the literature in individuals affected with HNRNPU-related conditions. ClinVar contains an entry for this variant (Variation ID: 662427). Invitae Evidence Modeling of protein sequence and biophysical properties (such as structural, functional, and spatial information, amino acid conservation, physicochemical variation, residue mobility, and thermodynamic stability) indicates that this missense variant is not expected to disrupt HNRNPU protein function with a negative predictive value of 95%. In summary, the available evidence is currently insufficient to determine the role of this variant in disease. Therefore, it has been classified as a Variant of Uncertain Significance.

NM_031844.3(HNRNPU):c.172G>A (p.Gly58Ser)

Gene: HNRNPU (heterogeneous nuclear ribonucleoprotein U; minus strand). Cytogenetic location: 1q44.
Variant type: single nucleotide variant.
Coding change: c.172G>A on transcript NM_031844.3 (MANE Select); coding-DNA position 172, G replaced by A.
Protein change: p.Gly58Ser; replaces glycine 58 with serine.
Molecular consequence: missense variant.
Genome position (GRCh38, 1-based): chr1:244,864,136, C>T on the plus strand (G>A on the coding strand, the complement: HNRNPU is on the minus strand). VCF-style: chr1-244864136-C-T. GRCh37 (hg19) VCF-style: chr1-245027438-C-T.
Other names: c.172G>A, p.Gly58Ser (NM_004501.3); short protein forms G58S.
Identifiers: ClinVar variation 662427 (VCV000662427.11), dbSNP rs943805343, ClinGen allele CA345497810.